The following is an entry in ClinVar:

ClinVar aggregate classification (germline): Conflicting classifications of pathogenicity. Review status: criteria provided, conflicting classifications (1 of 4 stars). 5 submissions from 5 submitters: Uncertain significance (1); Benign (3); Likely benign (1). Last evaluated 2026-01-24.

Conditions:
MEGF10-related myopathy (CMYO10A). Also called: Congenital myopathy 10A, severe variant. Identifiers: Orphanet 439212, MedGen C3280679, MONDO:0013731, OMIM 614399.

Allele frequency attached by ClinVar (database versions not stated): gnomAD exomes 0.00119; ExAC 0.00143; 1000 Genomes Project 30x 0.00312; 1000 Genomes Project 0.00319; gnomAD 0.00458 and 0.00492; ESP Exome Variant Server 0.00469; TOPMed 0.00522.
gnomAD v4.1: 1,486 of 1,614,116 alleles (0.092%); highest among the groups gnomAD compares: African/African-American, 1.6%; 16 homozygotes.

Submissions (5):

Labcorp Genetics (formerly Invitae), Labcorp
Classification: Benign for MEGF10-related myopathy. Last evaluated: 2026-01-24. Review status: criteria provided, single submitter. Criteria: Invitae Variant Classification Sherloc (09022015). Collection method: clinical testing. Allele origin: germline.

Blueprint Genetics
Classification: Likely benign. Last evaluated: 2024-11-13. Review status: criteria provided, single submitter. Criteria: ACMG Guidelines, 2015. Collection method: clinical testing. Allele origin: germline.

Illumina Laboratory Services, Illumina
Classification: Uncertain significance for MEGF10-related myopathy. Last evaluated: 2018-01-13. Review status: criteria provided, single submitter. Criteria: ICSL Variant Classification Criteria 13 December 2019. Collection method: clinical testing. Allele origin: germline.

GeneDx
Classification: Benign. Last evaluated: 2017-12-29. Review status: criteria provided, single submitter. Criteria: GeneDx Variant Classification (06012015). Collection method: clinical testing. Allele origin: germline. Affected: yes.
Comment: This variant is considered likely benign or benign based on one or more of the following criteria: it is a conservative change, it occurs at a poorly conserved position in the protein, it is predicted to be benign by multiple in silico algorithms, and/or has population frequency not consistent with disease.

Athena Diagnostics
Classification: Benign. Last evaluated: 2017-05-25. Review status: criteria provided, single submitter. Criteria: Athena Diagnostics Criteria. Collection method: clinical testing. Allele origin: germline.

NM_001256545.2(MEGF10):c.2757C>T (p.Asn919=)

Gene: MEGF10 (multiple EGF like domains 10; plus strand). Cytogenetic location: 5q23.2.
Variant type: single nucleotide variant.
Coding change: c.2757C>T on transcript NM_001256545.2 (MANE Select); coding-DNA position 2757, C replaced by T.
Protein change: p.Asn919=; no amino-acid change (asparagine 919 retained).
Molecular consequence: synonymous variant.
Genome position (GRCh38, 1-based): chr5:127,447,585, C>T. VCF-style: chr5-127447585-C-T. GRCh37 (hg19) VCF-style: chr5-126783277-C-T.
Other names: c.2757C>T, p.Asn919= (NM_032446.3).
Identifiers: ClinVar variation 384732 (VCV000384732.23), dbSNP rs36061366, ClinGen allele CA3392017.